The following is an entry in ClinVar:

ClinVar aggregate classification (germline): Uncertain significance. Review status: criteria provided, multiple submitters, no conflicts (2 of 4 stars). 4 submissions from 4 submitters: Uncertain significance (3). 1 of the submissions does not count toward it. Last evaluated 2025-12-08.

Conditions:
Fanconi anemia (FA). Also called: Fanconi's anemia. Identifiers: Orphanet 84, MedGen C0015625, MeSH D005199, MONDO:0019391.
Fanconi anemia complementation group A (FANCA). Also called: Fanconi anemia, group A; FANCA-Related Fanconi Anemia. Identifiers: Orphanet 84, MedGen C3469521, MONDO:0009215, OMIM 227650.

Allele frequency attached by ClinVar (database versions not stated): gnomAD exomes 0.00002 and 0.00005; TOPMed 0.00003; gnomAD 0.00005 and 0.00006.
gnomAD v4.1: 84 of 1,612,888 alleles (0.0052%); highest among the groups gnomAD compares: Non-Finnish European, 0.0069%; no homozygotes.

Submissions (4):

Labcorp Genetics (formerly Invitae), Labcorp
Classification: Uncertain significance for Fanconi anemia. Last evaluated: 2025-12-08. Review status: criteria provided, single submitter. Criteria: Invitae Variant Classification Sherloc (09022015). Collection method: clinical testing. Allele origin: germline.
Comment: This sequence change replaces valine, which is neutral and non-polar, with isoleucine, which is neutral and non-polar, at codon 340 of the FANCA protein (p.Val340Ile). This variant is present in population databases (rs774948790, gnomAD 0.006%). This variant has not been reported in the literature in individuals affected with FANCA-related conditions. ClinVar contains an entry for this variant (Variation ID: 951865). Invitae Evidence Modeling of protein sequence and biophysical properties (such as structural, functional, and spatial information, amino acid conservation, physicochemical variation, residue mobility, and thermodynamic stability) indicates that this missense variant is not expected to disrupt FANCA protein function with a negative predictive value of 95%. In summary, the available evidence is currently insufficient to determine the role of this variant in disease. Therefore, it has been classified as a Variant of Uncertain Significance.

Fulgent Genetics
Classification: Uncertain significance for Fanconi anemia complementation group A. Last evaluated: 2022-01-10. Review status: criteria provided, single submitter. Criteria: ACMG Guidelines, 2015. Collection method: clinical testing. Allele origin: unknown.

Genetic Services Laboratory, University of Chicago
Classification: Uncertain significance. Last evaluated: 2020-04-14. Review status: criteria provided, single submitter. Criteria: ACMG Guidelines, 2015. Collection method: clinical testing. Allele origin: germline. Affected: no.
Comment: DNA sequence analysis of the FANCA gene demonstrated a sequence change, c.1018G>A, in exon 12 that results in an amino acid change, p.Val340Ile. This sequence change does not appear to have been previously described in patients with FANCA-related disorders and has been described in the gnomAD database with a low frequency of 0.006% inhe European sub-population (dbSNP rs774948790). The p.Val340Ile change affects a poorly conserved amino acid residue located in a domain of the FANCA protein that is known to be functional. The p.Val340Ile substitution appears to be benign using several in-silico pathogenicity prediction tools (SIFT, PolyPhen2, Align GVGD, REVEL). Due to these contrasting evidences and the lack of functional studies, the clinical significance of the p.Val340Ile change remains unknown at this time.

Natera, Inc.
Classification: Uncertain significance for Fanconi anemia. Last evaluated: 2020-03-17. Review status: no assertion criteria provided. Collection method: clinical testing. Allele origin: germline. Not counted in ClinVar's aggregate classification.

NM_000135.4(FANCA):c.1018G>A (p.Val340Ile)

Gene: FANCA (FA complementation group A; minus strand). Cytogenetic location: 16q24.3.
Variant type: single nucleotide variant.
Coding change: c.1018G>A on transcript NM_000135.4 (MANE Select); coding-DNA position 1018, G replaced by A.
Protein change: p.Val340Ile; replaces valine 340 with isoleucine.
Molecular consequence: missense variant.
Genome position (GRCh38, 1-based): chr16:89,792,536, C>T on the plus strand (G>A on the coding strand, the complement: FANCA is on the minus strand). VCF-style: chr16-89792536-C-T. GRCh37 (hg19) VCF-style: chr16-89858944-C-T.
Other names: c.1018G>A, p.Val340Ile (NM_001286167.3); short protein forms V340I.
Identifiers: ClinVar variation 951865 (VCV000951865.14), dbSNP rs774948790, ClinGen allele CA286594149.